The following is an entry in ClinVar:

ClinVar aggregate classification (germline): Likely benign. Review status: criteria provided, single submitter (1 of 4 stars). 2 submissions from 2 submitters: Likely benign (1). 1 of the submissions does not count toward it. Last evaluated 2024-03-20.

Conditions:
FREM2-related disorder. Also called: FREM2-related condition.

Allele frequency attached by ClinVar (database versions not stated): gnomAD exomes 0.00001; ExAC 0.00004.
gnomAD v4.1: 16 of 1,613,772 alleles (0.00099%); highest among the groups gnomAD compares: South Asian, 0.018%; no homozygotes.

Submissions (2):

Labcorp Genetics (formerly Invitae), Labcorp
Classification: Likely benign. Last evaluated: 2024-03-20. Review status: criteria provided, single submitter. Criteria: Invitae Variant Classification Sherloc (09022015). Collection method: clinical testing. Allele origin: germline.

PreventionGenetics, part of Exact Sciences
Classification: Likely benign for FREM2-related condition. Last evaluated: 2019-04-23. Review status: no assertion criteria provided. Collection method: clinical testing. Allele origin: germline. Not counted in ClinVar's aggregate classification.
Comment: This variant is classified as likely benign based on ACMG/AMP sequence variant interpretation guidelines (Richards et al. 2015 PMID: 25741868, with internal and published modifications).

NM_207361.6(FREM2):c.8166T>C (p.Ala2722=)

Gene: FREM2 (FRAS1 related extracellular matrix 2; plus strand). Cytogenetic location: 13q13.3.
Variant type: single nucleotide variant.
Coding change: c.8166T>C on transcript NM_207361.6 (MANE Select); coding-DNA position 8166, T replaced by C.
Protein change: p.Ala2722=; no amino-acid change (alanine 2722 retained).
Molecular consequence: synonymous variant.
Genome position (GRCh38, 1-based): chr13:38,872,924, T>C. VCF-style: chr13-38872924-T-C. GRCh37 (hg19) VCF-style: chr13-39447061-T-C.
Other names: c.8166T>C (NM_207361.5).
Identifiers: ClinVar variation 3011571 (VCV003011571.5), dbSNP rs765049844, ClinGen allele CA6956047.